The following is an entry in ClinVar:

NM_000238.4(KCNH2):c.2084del (p.Gln695fs)

Gene: KCNH2 (potassium voltage-gated channel subfamily H member 2; minus strand). Cytogenetic location: 7q36.1.
Variant type: Deletion.
Coding change: c.2084del on transcript NM_000238.4 (MANE Select); coding-DNA position 2084, one base deleted (A; older notation c.2084delA).
Protein change: p.Gln695fs; shifts the reading frame from glutamine 695.
Molecular consequence: frameshift variant.
Genome position (GRCh38, 1-based): chr7:150,950,982, T deleted on the plus strand (A on the coding strand, the reverse complement: KCNH2 is on the minus strand). VCF-style (leftmost placement, unchanged base first): chr7-150950981-CT-C. GRCh37 (hg19) VCF-style: chr7-150648069-CT-C.
Other names: c.1064del, p.Gln355fs (NM_001204798.2, NM_172057.3); c.1796delA, p.Gln599Argfs (NM_001406753.1, NM_001406756.1); c.1907delA, p.Gln636Argfs (NM_001406755.1); c.1784delA, p.Gln595Argfs (NM_001406757.1); c.2084delA, p.Gln695Argfs (NM_172056.3); short protein forms Q355fs, Q695fs.
Identifiers: ClinVar variation 200793 (VCV000200793.4), dbSNP rs794728501, ClinGen allele CA006207.

ClinVar aggregate classification (germline): Pathogenic (1 of 4 stars; one submission).

Submission:

GeneDx
Classification: Pathogenic. Last evaluated: 2012-03-01. Review status: criteria provided, single submitter. Criteria: GeneDx Variant Classification (06012015). Collection method: clinical testing. Allele origin: germline. Affected: yes.
Comment: The c.2084delA pathogenic variant in the KCNH2 gene has not been reported previously, this variant causes a shift in reading frame starting at codon Glutamine 695, changing it to a Arginine, and creates a premature stop codon at position 19 of the new reading frame, denoted p.Q695RfsX19. This variant is expected to result either in an abnormal, truncated protein product or loss of protein from this allele through nonsense-mediated mRNA decay. Other frameshift variants in the KCNH2 gene have been reported in association with LQTS.